The following is an entry in ClinVar:

ClinVar aggregate classification (germline): Uncertain significance (1 of 4 stars; one submission).

Allele frequency attached by ClinVar (database versions not stated): gnomAD 0.00001.
gnomAD v4.1: 1 of 1,613,546 alleles (0.000062%); highest among the groups gnomAD compares: Admixed American, 0.0017%; no homozygotes.

Submission:

Labcorp Genetics (formerly Invitae), Labcorp
Classification: Uncertain significance. Last evaluated: 2023-11-27. Review status: criteria provided, single submitter. Criteria: Invitae Variant Classification Sherloc (09022015). Collection method: clinical testing. Allele origin: germline.
Comment: This sequence change replaces alanine, which is neutral and non-polar, with serine, which is neutral and polar, at codon 118 of the TUBGCP6 protein (p.Ala118Ser). This variant is not present in population databases (gnomAD no frequency). This variant has not been reported in the literature in individuals affected with TUBGCP6-related conditions. ClinVar contains an entry for this variant (Variation ID: 2102781). Algorithms developed to predict the effect of missense changes on protein structure and function output the following: SIFT: "Not Available"; PolyPhen-2: "Probably Damaging"; Align-GVGD: "Not Available". The serine amino acid residue is found in multiple mammalian species, which suggests that this missense change does not adversely affect protein function. In summary, the available evidence is currently insufficient to determine the role of this variant in disease. Therefore, it has been classified as a Variant of Uncertain Significance.

NM_020461.4(TUBGCP6):c.352G>T (p.Ala118Ser)

Gene: TUBGCP6 (tubulin gamma complex component 6; minus strand). Cytogenetic location: 22q13.33.
Variant type: single nucleotide variant.
Coding change: c.352G>T on transcript NM_020461.4 (MANE Select); coding-DNA position 352, G replaced by T.
Protein change: p.Ala118Ser; replaces alanine 118 with serine.
Molecular consequence: missense variant.
Genome position (GRCh38, 1-based): chr22:50,244,108, C>A on the plus strand (G>T on the coding strand, the complement: TUBGCP6 is on the minus strand). VCF-style: chr22-50244108-C-A. GRCh37 (hg19) VCF-style: chr22-50682537-C-A.
Other names: short protein forms A118S.
Identifiers: ClinVar variation 2102781 (VCV002102781.4), dbSNP rs2064885729, ClinGen allele CA412115667.